The following is an entry in ClinVar:

NM_001370466.1(NOD2):c.2158T>C (p.Tyr720His)

Gene: NOD2 (nucleotide binding oligomerization domain containing 2; plus strand). Cytogenetic location: 16q12.1.
Variant type: single nucleotide variant.
Coding change: c.2158T>C on transcript NM_001370466.1 (MANE Select); coding-DNA position 2158, T replaced by C.
Protein change: p.Tyr720His; replaces tyrosine 720 with histidine.
Molecular consequence: missense variant. On other transcripts: non-coding transcript variant (1).
Genome position (GRCh38, 1-based): chr16:50,712,150, T>C. VCF-style: chr16-50712150-T-C. GRCh37 (hg19) VCF-style: chr16-50746061-T-C.
Other names: c.2158T>C, p.Tyr720His (NM_001293557.2); c.2239T>C, p.Tyr747His (NM_022162.3); short protein forms Y720H, Y747H.
Identifiers: ClinVar variation 1421270 (VCV001421270.8), dbSNP rs2150814130, ClinGen allele CA395871475.

ClinVar aggregate classification (germline): Uncertain significance (1 of 4 stars; one submission).

Conditions:
Blau syndrome (BLAUS). Also called: ARTHROCUTANEOUVEAL GRANULOMATOSIS; GRANULOMATOSIS, FAMILIAL JUVENILE SYSTEMIC; GRANULOMATOSIS, FAMILIAL, BLAU TYPE; GRANULOMATOUS INFLAMMATORY ARTHRITIS, DERMATITIS, AND UVEITIS, FAMILIAL; JABS SYNDROME. Identifiers: Orphanet 90340, MedGen C5201146, MONDO:0008523, OMIM 186580.
Regional enteritis. Also called: Enteritis, Granulomatous. Identifiers: MedGen C0678202, MeSH D003424.

Submission:

Labcorp Genetics (formerly Invitae), Labcorp
Classification: Uncertain significance for Regional enteritis; Blau syndrome. Last evaluated: 2024-02-17. Review status: criteria provided, single submitter. Criteria: Invitae Variant Classification Sherloc (09022015). Collection method: clinical testing. Allele origin: germline.
Comment: This sequence change replaces tyrosine, which is neutral and polar, with histidine, which is basic and polar, at codon 747 of the NOD2 protein (p.Tyr747His). This variant is not present in population databases (gnomAD no frequency). This variant has not been reported in the literature in individuals affected with NOD2-related conditions. ClinVar contains an entry for this variant (Variation ID: 1421270). Advanced modeling of protein sequence and biophysical properties (such as structural, functional, and spatial information, amino acid conservation, physicochemical variation, residue mobility, and thermodynamic stability) performed at Invitae indicates that this missense variant is not expected to disrupt NOD2 protein function with a negative predictive value of 95%. In summary, the available evidence is currently insufficient to determine the role of this variant in disease. Therefore, it has been classified as a Variant of Uncertain Significance.